The following is an entry in ClinVar:

NM_002485.5(NBN):c.163_171+3del

Gene: NBN (nibrin; minus strand). Cytogenetic location: 8q21.3.
Variant type: Deletion.
Coding change: c.163_171+3del on transcript NM_002485.5 (MANE Select); coding-DNA position 163 through 3 bases into the intron after coding-DNA position 171, 12 bases deleted (ACCAACCTGGTA).
Molecular consequence: splice donor variant.
Genome position (GRCh38, 1-based): chr8:89,982,719-89,982,730, TACCAGGTTGGT deleted on the plus strand (ACCAACCTGGTA on the coding strand, the reverse complement: NBN is on the minus strand); deleting any 12 consecutive bases within chr8:89,982,719-89,982,733 gives the same sequence; the c. name uses the placement nearest the transcript's 3' end. VCF-style (leftmost placement, unchanged base first): chr8-89982718-ATACCAGGTTGGT-A. GRCh37 (hg19) VCF-style: chr8-90994946-ATACCAGGTTGGT-A.
Other names: c.163_171+3delACCAACCTGGTA (NM_002485.4); c.-134_-126+3del (NM_001024688.3); c.163_171+3del12 (NM_002485.4).
Identifiers: ClinVar variation 370793 (VCV000370793.24), dbSNP rs1057516772, ClinGen allele CA16041214.
Genomic context (GRCh38, chr8:89,982,718, plus strand): 5'-AAGAGAATATTTTGTGATTTCAACCCCCTTACTGGAAACTAGTGAAATAAAATTAGTAAC[ATACCAGGTTGGT>A]TACAGAAAAGTTAGCAGTTAACACAGCATGATTTCGGCTGATCGACTGATCATTTTCAAT-3'

ClinVar aggregate classification (germline): Pathogenic/Likely pathogenic. Review status: criteria provided, multiple submitters, no conflicts (2 of 4 stars). 8 submissions from 8 submitters: Pathogenic (2); Likely pathogenic (5). 1 of the submissions does not count toward it. Last evaluated 2025-11-06.

Conditions:
Aplastic anemia. Identifiers: Orphanet 182040, Orphanet 88, MedGen C0002874, MONDO:0015909, OMIM 609135, HP:0001915.
Microcephaly, normal intelligence and immunodeficiency (NBS). Also called: BERLIN BREAKAGE SYNDROME; Nijmegen breakage syndrome; Microcephaly with normal intelligence immunodeficiency and lymphoreticular malignancies; Nonsyndromal microcephaly autosomal recessive with normal intelligence; Seemanova syndrome 2; IMMUNODEFICIENCY, MICROCEPHALY, AND CHROMOSOMAL INSTABILITY. Identifiers: Orphanet 647, MedGen C0398791, MONDO:0009623, OMIM 251260.
Hereditary cancer-predisposing syndrome. Also called: Hereditary Cancer Syndrome; Hereditary neoplastic syndrome; Tumor predisposition; Neoplastic Syndromes, Hereditary. Identifiers: Orphanet 140162, MedGen C0027672, MeSH D009386, MONDO:0015356.

Submissions (8):

Natera, Inc.
Classification: Likely pathogenic for Nijmegen breakage syndrome. Last evaluated: 2025-11-06. Review status: criteria provided, single submitter. Criteria: Natera Variant Classification Schema (03/2026). Collection method: clinical testing. Allele origin: germline.
Comment: The c.163_171+3del variant in NBN is a deletion of the exon-intron junction predicted to disrupt the donor site and part of an exon. This variant is expected to result in nonsense mediated decay, truncation, or a dysfunctional protein product. This variant is rare in the general population with a frequency below the threshold expected for the associated phenotype(s). Given the available evidence, this variant is classified as Likely Pathogenic.

GeneDx
Classification: Likely pathogenic. Last evaluated: 2024-03-20. Review status: criteria provided, single submitter. Criteria: GeneDx Variant Classification Process June 2021. Collection method: clinical testing. Allele origin: germline. Affected: yes.
Comment: Canonical splice site variant predicted to result in a null allele in a gene for which loss of function is a known mechanism of disease; Not observed at significant frequency in large population cohorts (gnomAD); This variant is associated with the following publications: (PMID: 34933735, 37453313, 29760218)

Baylor Genetics
Classification: Likely pathogenic for Aplastic anemia. Last evaluated: 2023-04-04. Review status: criteria provided, single submitter. Criteria: ACMG Guidelines, 2015. Collection method: clinical testing. Allele origin: unknown.

Labcorp Genetics (formerly Invitae), Labcorp
Classification: Likely pathogenic for Microcephaly, normal intelligence and immunodeficiency. Last evaluated: 2022-03-30. Review status: criteria provided, single submitter. Criteria: Invitae Variant Classification Sherloc (09022015). Collection method: clinical testing. Allele origin: germline.
Comment: In summary, the currently available evidence indicates that the variant is pathogenic, but additional data are needed to prove that conclusively. Therefore, this variant has been classified as Likely Pathogenic. Algorithms developed to predict the effect of sequence changes on RNA splicing suggest that this variant may disrupt the consensus splice site. ClinVar contains an entry for this variant (Variation ID: 370793). This variant has not been reported in the literature in individuals affected with NBN-related conditions. This variant is not present in population databases (gnomAD no frequency). This variant results in the deletion of part of exon 2 (c.163_171+3del) of the NBN gene. It is expected to disrupt RNA splicing. Variants that disrupt the donor or acceptor splice site typically lead to a loss of protein function (PMID: 16199547), and loss-of-function variants in NBN are known to be pathogenic (PMID: 9590180, 16415040).

Genome-Nilou Lab
Classification: Pathogenic for Microcephaly, normal intelligence and immunodeficiency. Last evaluated: 2021-11-07. Review status: criteria provided, single submitter. Criteria: ACMG Guidelines, 2015. Collection method: clinical testing. Allele origin: germline. Affected: no.

Ambry Genetics
Classification: Pathogenic for Hereditary cancer-predisposing syndrome. Last evaluated: 2019-11-06. Review status: criteria provided, single submitter. Criteria: Ambry Variant Classification Scheme 2023. Collection method: clinical testing. Allele origin: germline.
Comment: The c.163_171+3del12 variant results from a deletion of 12 coding nucleotides at the 3' end of coding exon 2 in the NBN gene. This variant was not reported in population-based cohorts in the Genome Aggregation Database (gnomAD) (Lek M et al. Nature, 2016 08;536:285-91). Using the BDGP and ESEfinder splice site prediction tools, this alteration is predicted to weaken this splice donor site. RNA studies have demonstrated that this alteration results in abnormal splicing in the set of samples tested (Ambry internal data). This alteration is expected to result in loss of function due to an abnormal transcript, a translational frameshift leading to premature truncation, or nonsense-mediated mRNA decay. As such, this alteration is interpreted as a disease-causing mutation.

Kariminejad - Najmabadi Pathology & Genetics Center
Classification: Likely pathogenic for Microcephaly, normal intelligence and immunodeficiency. Review status: criteria provided, single submitter. Criteria: ACMG Guidelines, 2015. Collection method: clinical testing. Allele origin: germline. Affected: no.

Counsyl
Classification: Likely pathogenic for Microcephaly, normal intelligence and immunodeficiency. Last evaluated: 2016-04-15. Review status: no assertion criteria provided. Collection method: clinical testing. Allele origin: unknown. Not counted in ClinVar's aggregate classification.

Literature cited by the submitters: PubMed 16199547 (cited by Labcorp Genetics (formerly Invitae), Labcorp); PubMed 9590180 (cited by Labcorp Genetics (formerly Invitae), Labcorp); PubMed 16415040 (cited by Labcorp Genetics (formerly Invitae), Labcorp).